The following is an entry in ClinVar:

NM_001254.4(CDC6):c.535A>G (p.Met179Val)

Gene: CDC6 (cell division cycle 6; plus strand). Cytogenetic location: 17q21.2.
Variant type: single nucleotide variant.
Coding change: c.535A>G on transcript NM_001254.4 (MANE Select); coding-DNA position 535, A replaced by G.
Protein change: p.Met179Val; replaces methionine 179 with valine.
Molecular consequence: missense variant.
Genome position (GRCh38, 1-based): chr17:40,291,543, A>G. VCF-style: chr17-40291543-A-G. GRCh37 (hg19) VCF-style: chr17-38447795-A-G.
Other names: short protein forms M179V.
Identifiers: ClinVar variation 2058656 (VCV002058656.4), dbSNP rs2544134747, ClinGen allele CA399327948.

ClinVar aggregate classification (germline): Uncertain significance (1 of 4 stars; one submission).

Submission:

Labcorp Genetics (formerly Invitae), Labcorp
Classification: Uncertain significance. Last evaluated: 2023-11-27. Review status: criteria provided, single submitter. Criteria: Invitae Variant Classification Sherloc (09022015). Collection method: clinical testing. Allele origin: germline.
Comment: This sequence change replaces methionine, which is neutral and non-polar, with valine, which is neutral and non-polar, at codon 179 of the CDC6 protein (p.Met179Val). This variant is not present in population databases (gnomAD no frequency). This variant has not been reported in the literature in individuals affected with CDC6-related conditions. ClinVar contains an entry for this variant (Variation ID: 2058656). An algorithm developed to predict the effect of missense changes on protein structure and function (PolyPhen-2) suggests that this variant is likely to be tolerated. In summary, the available evidence is currently insufficient to determine the role of this variant in disease. Therefore, it has been classified as a Variant of Uncertain Significance.